The following is an entry in ClinVar:

NM_014285.7(EXOSC2):c.385C>T (p.Leu129Phe)

Gene: EXOSC2 (exosome component 2; plus strand). Cytogenetic location: 9q34.12.
Variant type: single nucleotide variant.
Coding change: c.385C>T on transcript NM_014285.7 (MANE Select); coding-DNA position 385, C replaced by T.
Protein change: p.Leu129Phe; replaces leucine 129 with phenylalanine.
Molecular consequence: missense variant. On other transcripts: non-coding transcript variant (1).
Genome position (GRCh38, 1-based): chr9:130,699,353, C>T. VCF-style: chr9-130699353-C-T. GRCh37 (hg19) VCF-style: chr9-133574740-C-T.
Other names: c.385C>T, p.Leu129Phe (NM_001282708.1); c.295C>T, p.Leu99Phe (NM_001282709.1); short protein forms L129F, L99F.
Identifiers: ClinVar variation 1488383 (VCV001488383.6), dbSNP rs1831162319, ClinGen allele CA375247519.

ClinVar aggregate classification (germline): Uncertain significance (1 of 4 stars; one submission).

Allele frequency attached by ClinVar (database versions not stated): gnomAD exomes below 0.00001.
gnomAD v4.1: 1 of 1,614,200 alleles (0.000062%); highest among the groups gnomAD compares: Middle Eastern, 0.017%; no homozygotes.

Submission:

Labcorp Genetics (formerly Invitae), Labcorp
Classification: Uncertain significance. Last evaluated: 2020-11-19. Review status: criteria provided, single submitter. Criteria: Invitae Variant Classification Sherloc (09022015). Collection method: clinical testing. Allele origin: germline.
Comment: In summary, the available evidence is currently insufficient to determine the role of this variant in disease. Therefore, it has been classified as a Variant of Uncertain Significance. Algorithms developed to predict the effect of missense changes on protein structure and function are either unavailable or do not agree on the potential impact of this missense change (SIFT: "Tolerated"; PolyPhen-2: "Possibly Damaging"; Align-GVGD: "Class C0"). This variant has not been reported in the literature in individuals with EXOSC2-related conditions. This variant is not present in population databases (ExAC no frequency). This sequence change replaces leucine with phenylalanine at codon 129 of the EXOSC2 protein (p.Leu129Phe). The leucine residue is moderately conserved and there is a small physicochemical difference between leucine and phenylalanine.